The following is an entry in ClinVar:

ClinVar aggregate classification (germline): Uncertain significance (1 of 4 stars; one submission).

Conditions:
Neurodevelopmental disorder with speech impairment and with or without seizures. Also called: Neurodevelopmental disorder with variable intellectual disability and speech impairment, with or without seizures. Identifiers: MedGen C5774252, MONDO:0859313, OMIM 620114.

Submission:

Pittsburgh Clinical Genomics Laboratory, University of Pittsburgh Medical Center
Classification: Uncertain significance for Neurodevelopmental disorder with speech impairment and with or without seizures. Last evaluated: 2023-12-26. Review status: criteria provided, single submitter. Criteria: ACMG Guidelines, 2015. Collection method: clinical testing. Allele origin: germline. Inheritance: Autosomal dominant inheritance. Affected: yes.
Comment: This sequence variant is a single nucleotide substitution (C>T) at position 5912 of the coding sequence of the CACNA1I gene that results in a alanine to valine amino acid change at residue 1971 of the calcium voltage-gated channel subunit alpha1 I protein. This variant is absent from ClinVar and has not been observed in individuals affected by a CACNA1I-related disorder in the published literature, to our knowledge. This variant is absent from the gnomAD v4.0.0 population database (0/~1,461,000 alleles). Bioinformatic tools are inconclusive if this amino acid change will be damaging or tolerated, and the Ala1971 residue at this position is highly conserved across the vertebrate species examined. Studies examining the functional consequence of this variant have not been published, to our knowledge. At this time, there is insufficient evidence to determine if this variant is pathogenic or benign. Therefore, we consider this a variant of uncertain significance. ACMG Criteria: PM2

NM_021096.4(CACNA1I):c.5912C>T (p.Ala1971Val)

Gene: CACNA1I (calcium voltage-gated channel subunit alpha1 I; plus strand). Cytogenetic location: 22q13.1.
Variant type: single nucleotide variant.
Coding change: c.5912C>T on transcript NM_021096.4 (MANE Select); coding-DNA position 5912, C replaced by T.
Protein change: p.Ala1971Val; replaces alanine 1971 with valine.
Molecular consequence: missense variant.
Genome position (GRCh38, 1-based): chr22:39,684,383, C>T. VCF-style: chr22-39684383-C-T. GRCh37 (hg19) VCF-style: chr22-40080388-C-T.
Other names: c.5807C>T, p.Ala1936Val (NM_001003406.2); short protein forms A1936V, A1971V.
Identifiers: ClinVar variation 3376391 (VCV003376391.1).